The following is an entry in ClinVar:

NM_000059.4(BRCA2):c.2345del (p.Leu782fs)

Gene: BRCA2 (BRCA2 DNA repair associated; plus strand). Cytogenetic location: 13q13.1.
Variant type: Deletion.
Coding change: c.2345del on transcript NM_000059.4 (MANE Select); coding-DNA position 2345, one base deleted (T; older notation c.2345delT).
Protein change: p.Leu782fs; shifts the reading frame from leucine 782.
Molecular consequence: frameshift variant.
Genome position (GRCh38, 1-based): chr13:32,336,700, T deleted. VCF-style (leftmost placement, unchanged base first): chr13-32336699-CT-C. GRCh37 (hg19) VCF-style: chr13-32910836-CT-C.
Other names: short protein forms L782fs.
Identifiers: ClinVar variation 1435246 (VCV001435246.6), dbSNP rs2137485542, ClinGen allele CA2573149377.

ClinVar aggregate classification (germline): Pathogenic (1 of 4 stars; one submission).

Conditions:
Hereditary breast ovarian cancer syndrome. Also called: BRCA1- and BRCA2-Associated Hereditary Breast and Ovarian Cancer; Hereditary breast and ovarian cancer syndrome; Hereditary breast and ovarian cancer; Hereditary breast and ovarian cancer syndrome (HBOC); Breast and ovarian cancer; Hereditary breast and/or ovarian cancer syndrome. Identifiers: Orphanet 145, MedGen C0677776, MeSH D061325, MONDO:0003582. Disease mechanism: loss of function.

Submission:

Labcorp Genetics (formerly Invitae), Labcorp
Classification: Pathogenic for Hereditary breast ovarian cancer syndrome. Last evaluated: 2021-03-09. Review status: criteria provided, single submitter. Criteria: Invitae Variant Classification Sherloc (09022015). Collection method: clinical testing. Allele origin: germline.
Comment: For these reasons, this variant has been classified as Pathogenic. This variant has not been reported in the literature in individuals with BRCA2-related conditions. This variant is not present in population databases (ExAC no frequency). This sequence change creates a premature translational stop signal (p.Leu782Glnfs*3) in the BRCA2 gene. It is expected to result in an absent or disrupted protein product. Loss-of-function variants in BRCA2 are known to be pathogenic (PMID: 20104584).

Literature cited by the submitters: PubMed 20104584.